The following is an entry in ClinVar:

NM_003126.4(SPTA1):c.1920A>G (p.Ile640Met)

Gene: SPTA1 (spectrin alpha, erythrocytic 1; minus strand). Cytogenetic location: 1q23.1.
Variant type: single nucleotide variant.
Coding change: c.1920A>G on transcript NM_003126.4 (MANE Select); coding-DNA position 1920, A replaced by G.
Protein change: p.Ile640Met; replaces isoleucine 640 with methionine.
Molecular consequence: missense variant.
Genome position (GRCh38, 1-based): chr1:158,667,976, T>C on the plus strand (A>G on the coding strand, the complement: SPTA1 is on the minus strand). VCF-style: chr1-158667976-T-C. GRCh37 (hg19) VCF-style: chr1-158637766-T-C.
Other names: c.1920A>G (NM_003126.2); short protein forms I640M.
Identifiers: ClinVar variation 2436368 (VCV002436368.7), dbSNP rs369680582, ClinGen allele CA1183567.

ClinVar aggregate classification (germline): Uncertain significance. Review status: criteria provided, multiple submitters, no conflicts (2 of 4 stars). 3 submissions from 3 submitters: Uncertain significance (3). Last evaluated 2026-05-01.

Allele frequency attached by ClinVar (database versions not stated): gnomAD 0.00001; TOPMed 0.00001; gnomAD exomes 0.00002; ExAC 0.00005; ESP Exome Variant Server 0.00008.
gnomAD v4.1: 24 of 1,613,760 alleles (0.0015%); highest among the groups gnomAD compares: Non-Finnish European, 0.0019%; no homozygotes.

Submissions (3):

CeGaT Center for Human Genetics Tuebingen
Classification: Uncertain significance. Last evaluated: 2026-05-01. Review status: criteria provided, single submitter. Criteria: CeGaT Center For Human Genetics Tuebingen Variant Classification Criteria Version 2. Collection method: clinical testing. Allele origin: germline. Affected: yes. Observed: 1 variant allele.
Comment: SPTA1: PM2, BP4

Ambry Genetics
Classification: Uncertain significance. Last evaluated: 2023-08-15. Review status: criteria provided, single submitter. Criteria: Ambry Variant Classification Scheme 2023. Collection method: clinical testing. Allele origin: germline.

Revvity Omics, Revvity
Classification: Uncertain significance. Last evaluated: 2023-01-17. Review status: criteria provided, single submitter. Criteria: ACMG Guidelines, 2015. Collection method: clinical testing. Allele origin: germline.